The following is an entry in ClinVar:

NM_001374736.1(DST):c.22982A>G (p.Asn7661Ser)

Gene: DST (dystonin; minus strand). Cytogenetic location: 6p12.1.
Variant type: single nucleotide variant.
Coding change: c.22982A>G on transcript NM_001374736.1 (MANE Select); coding-DNA position 22982, A replaced by G.
Protein change: p.Asn7661Ser; replaces asparagine 7661 with serine.
Molecular consequence: missense variant. On other transcripts: intron variant (2).
Genome position (GRCh38, 1-based): chr6:56,463,134, T>C on the plus strand (A>G on the coding strand, the complement: DST is on the minus strand). VCF-style: chr6-56463134-T-C. GRCh37 (hg19) VCF-style: chr6-56327932-T-C.
Other names: c.16553A>G, p.Asn5518Ser (NM_001144769.5); c.16139A>G, p.Asn5380Ser (NM_001144770.2); c.22910A>G, p.Asn7637Ser (NM_001374722.1); c.22937A>G, p.Asn7646Ser (NM_001374734.1); c.16001A>G, p.Asn5334Ser (NM_001386100.1); c.15041A>G, p.Asn5014Ser (NM_015548.5); c.16019A>G, p.Asn5340Ser (NM_183380.4); c.15741+431A>G (NM_001374730.1); and 1 more; short protein forms N5334S, N7661S, N5014S, N5340S, N7646S, N5380S, N5518S, N7637S.
Identifiers: ClinVar variation 1445999 (VCV001445999.6), dbSNP rs779080194, ClinGen allele CA139164559.

ClinVar aggregate classification (germline): Uncertain significance (1 of 4 stars; one submission).

Conditions:
Epidermolysis bullosa simplex 3, localized or generalized intermediate, with BP230 deficiency (EBS3). Also called: Epidermolysis bullosa simplex due to BP230 deficiency; Epidermolysis bullosa simplex, autosomal recessive 2. Identifiers: Orphanet 412181, MedGen C3809470, MONDO:0014180, OMIM 615425.
Hereditary sensory and autonomic neuropathy type 6. Also called: HSAN VI; Neuropathy, hereditary sensory and autonomic, type VI. Identifiers: Orphanet 314381, MedGen C3539003, MONDO:0013839, OMIM 614653.

Allele frequency attached by ClinVar (database versions not stated): gnomAD 0.00001; TOPMed 0.00003.
gnomAD v4.1: 6 of 1,612,564 alleles (0.00037%); highest among the groups gnomAD compares: Admixed American, 0.005%; no homozygotes.

Submission:

Labcorp Genetics (formerly Invitae), Labcorp
Classification: Uncertain significance for Epidermolysis bullosa simplex 3, localized or generalized intermediate, with BP230 deficiency; Hereditary sensory and autonomic neuropathy type 6. Last evaluated: 2022-11-15. Review status: criteria provided, single submitter. Criteria: Invitae Variant Classification Sherloc (09022015). Collection method: clinical testing. Allele origin: germline.
Comment: The DST gene has multiple clinically relevant transcripts. This variant occurs in alternate transcript NM_015548.4, and corresponds to NM_001723.5:c.*152383A>G in the primary transcript. In summary, the available evidence is currently insufficient to determine the role of this variant in disease. Therefore, it has been classified as a Variant of Uncertain Significance. Experimental studies and prediction algorithms are not available or were not evaluated, and the functional significance of this variant is currently unknown. This variant has not been reported in the literature in individuals affected with DST-related conditions. This variant is present in population databases (no rsID available, gnomAD 0.009%). This sequence change replaces asparagine, which is neutral and polar, with serine, which is neutral and polar, at codon 5014 of the DST protein (p.Asn5014Ser).